The following is an entry in ClinVar:

NM_012243.3(SLC35A3):c.375A>T (p.Ala125=)

Gene: SLC35A3 (solute carrier family 35 member A3; plus strand). Cytogenetic location: 1p21.2.
Variant type: single nucleotide variant.
Coding change: c.375A>T on transcript NM_012243.3 (MANE Select); coding-DNA position 375, A replaced by T.
Protein change: p.Ala125=; no amino-acid change (alanine 125 retained).
Molecular consequence: synonymous variant.
Genome position (GRCh38, 1-based): chr1:100,007,066, A>T. VCF-style: chr1-100007066-A-T. GRCh37 (hg19) VCF-style: chr1-100472622-A-T.
Other names: c.375A>T, p.Ala125= (NM_001271684.2); c.501A>T, p.Ala167= (NM_001271685.2).
Identifiers: ClinVar variation 714722 (VCV000714722.17), dbSNP rs773812783, ClinGen allele CA967580.

ClinVar aggregate classification (germline): Likely benign. Review status: criteria provided, single submitter (1 of 4 stars). 3 submissions from 3 submitters: Likely benign (1). 2 of the submissions do not count toward it. Last evaluated 2026-01-06.

Conditions:
SLC35A3-related disorder. Also called: SLC35A3-related condition.
Autism spectrum disorder - epilepsy - arthrogryposis syndrome (AMRS). Identifiers: Orphanet 370943, MedGen C3809910, MONDO:0014248, OMIM 615553.

Allele frequency attached by ClinVar (database versions not stated): gnomAD 0.00004; TOPMed 0.00005; ExAC 0.00006; gnomAD exomes 0.00006.
gnomAD v4.1: 89 of 1,609,312 alleles (0.0055%); highest among the groups gnomAD compares: Non-Finnish European, 0.007%; no homozygotes.

Submissions (3):

Labcorp Genetics (formerly Invitae), Labcorp
Classification: Likely benign for Autism spectrum disorder - epilepsy - arthrogryposis syndrome. Last evaluated: 2026-01-06. Review status: criteria provided, single submitter. Criteria: Invitae Variant Classification Sherloc (09022015). Collection method: clinical testing. Allele origin: germline.

Natera, Inc.
Classification: Likely benign for Arthrogryposis, mental retardation, and seizures. Last evaluated: 2020-09-11. Review status: no assertion criteria provided. Collection method: clinical testing. Allele origin: germline. Not counted in ClinVar's aggregate classification.

PreventionGenetics, part of Exact Sciences
Classification: Likely benign for SLC35A3-related condition. Last evaluated: 2019-08-14. Review status: no assertion criteria provided. Collection method: clinical testing. Allele origin: germline. Not counted in ClinVar's aggregate classification.
Comment: This variant is classified as likely benign based on ACMG/AMP sequence variant interpretation guidelines (Richards et al. 2015 PMID: 25741868, with internal and published modifications).